The following is an entry in ClinVar:

NM_015509.4(NECAP1):c.68C>T (p.Pro23Leu)

Genes: NECAP1 (NECAP endocytosis associated 1; plus strand), LOC126861440 (MED14-independent group 3 enhancer GRCh37_chr12:8234132-8235331; plus strand). Cytogenetic location: 12p13.31.
Variant type: single nucleotide variant.
Coding change: c.68C>T on transcript NM_015509.4 (MANE Select); coding-DNA position 68, C replaced by T.
Protein change: p.Pro23Leu; replaces proline 23 with leucine.
Molecular consequence: missense variant. On other transcripts: non-coding transcript variant (1).
Genome position (GRCh38, 1-based): chr12:8,082,356, C>T. VCF-style: chr12-8082356-C-T. GRCh37 (hg19) VCF-style: chr12-8234952-C-T.
Other names: short protein forms P23L.
Identifiers: ClinVar variation 1477643 (VCV001477643.6), dbSNP rs1947447226, ClinGen allele CA383795504.

ClinVar aggregate classification (germline): Uncertain significance (1 of 4 stars; one submission).

Conditions:
Developmental and epileptic encephalopathy, 21 (DEE21). Also called: Early infantile epileptic encephalopathy 21. Identifiers: Orphanet 442835, MedGen C4014430, MONDO:0014360, OMIM 615833.

Allele frequency attached by ClinVar (database versions not stated): gnomAD exomes below 0.00001.
gnomAD v4.1: 1 of 1,613,714 alleles (0.000062%); highest among the groups gnomAD compares: African/African-American, 0.0013%; no homozygotes.

Submission:

Labcorp Genetics (formerly Invitae), Labcorp
Classification: Uncertain significance for Developmental and epileptic encephalopathy, 21. Last evaluated: 2021-09-20. Review status: criteria provided, single submitter. Criteria: Invitae Variant Classification Sherloc (09022015). Collection method: clinical testing. Allele origin: germline.
Comment: In summary, the available evidence is currently insufficient to determine the role of this variant in disease. Therefore, it has been classified as a Variant of Uncertain Significance. Algorithms developed to predict the effect of missense changes on protein structure and function are either unavailable or do not agree on the potential impact of this missense change (SIFT: "Not Available"; PolyPhen-2: "Possibly Damaging"; Align-GVGD: "Not Available"). This variant has not been reported in the literature in individuals affected with NECAP1-related conditions. This variant is not present in population databases (ExAC no frequency). This sequence change replaces proline with leucine at codon 23 of the NECAP1 protein (p.Pro23Leu). The proline residue is highly conserved and there is a moderate physicochemical difference between proline and leucine.